The following is an entry in ClinVar:

NM_130837.3(OPA1):c.344C>T (p.Ala115Val)

Gene: OPA1 (OPA1 mitochondrial dynamin like GTPase; plus strand). Cytogenetic location: 3q29.
Variant type: single nucleotide variant.
Coding change: c.344C>T on transcript NM_130837.3 (MANE Select); coding-DNA position 344, C replaced by T.
Protein change: p.Ala115Val; replaces alanine 115 with valine.
Molecular consequence: missense variant. On other transcripts: 5 prime UTR variant (2).
Genome position (GRCh38, 1-based): chr3:193,615,034, C>T. VCF-style: chr3-193615034-C-T. GRCh37 (hg19) VCF-style: chr3-193332823-C-T.
Other names: p.Ala115Val; c.-29C>T (NM_001354663.2, NM_001354664.2); c.344C>T, p.Ala115Val (NM_015560.3, NM_130831.3, NM_130832.3 and 4 more transcripts); c.344C>T (NM_130837.2); short protein forms A115V.
Identifiers: ClinVar variation 436107 (VCV000436107.65), dbSNP rs200983556, ClinGen allele CA2758985.

ClinVar aggregate classification (germline): Conflicting classifications of pathogenicity. Review status: criteria provided, conflicting classifications (1 of 4 stars). 9 submissions from 9 submitters: Uncertain significance (7); Benign (2). Last evaluated 2026-01-29.

Conditions:
OPA1-related disorder. Also called: OPA1-related condition; OPA1-related disorders.
Optic atrophy with or without deafness, ophthalmoplegia, myopathy, ataxia, and neuropathy. Also called: OPTIC ATROPHY PLUS SYNDROME. Identifiers: MedGen C3276549, MONDO:0007429, OMIM 125250.

Allele frequency attached by ClinVar (database versions not stated): gnomAD 0.00012 and 0.00013; 1000 Genomes Project 30x 0.00016; TOPMed 0.00017; gnomAD exomes 0.00018 and 0.00022; 1000 Genomes Project 0.00020; ExAC 0.00026.
gnomAD v4.1: 285 of 1,612,582 alleles (0.018%); highest among the groups gnomAD compares: South Asian, 0.04%; no homozygotes.

Submissions (9):

PreventionGenetics, part of Exact Sciences
Classification: Uncertain significance for OPA1-related condition. Last evaluated: 2026-01-29. Review status: criteria provided, single submitter. Criteria: ACMG Guidelines, 2015. Collection method: clinical testing. Allele origin: germline.
Comment: The OPA1 c.344C>T variant is predicted to result in the amino acid substitution p.Ala115Val. This variant has been reported in individuals with optic atrophy, ataxia and neuropathy (Yu-Wai-Man et al 2010. PubMed ID: 20157015), optic atrophy and hearing loss (Santarelli et al 2015. PubMed ID: 25564500), retinitis pigmentosa (Table S1, Comander et al 2017. PubMed ID: 28981474), and optic neuropathy (Table S2, Charif et al 2021. PubMed ID: 33841295). However, this variant is present in 0.069% of alleles in individuals of South Asian descent in gnomAD, which is relatively common for a gene associated with autosomal dominant disease. At this time, the clinical significance of this variant is uncertain due to the absence of conclusive functional and genetic evidence.

GeneDx
Classification: Uncertain significance. Last evaluated: 2026-01-06. Review status: criteria provided, single submitter. Criteria: GeneDx Variant Classification Process June 2021. Collection method: clinical testing. Allele origin: germline. Affected: yes.
Comment: Observed in unrelated patients with optic atrophy and ataxia, and in a patient with retinitis pigmentosa, in published literature, but familial segregation information was not provided (PMID: 20157015, 25564500, 28981474); In silico analysis suggests that this missense variant does not alter protein structure/function; This variant is associated with the following publications: (PMID: 28981474, 25564500, 33841295, 39072298, 20157015, 40069133)

CeGaT Center for Human Genetics Tuebingen
Classification: Uncertain significance. Last evaluated: 2026-01-01. Review status: criteria provided, single submitter. Criteria: CeGaT Center For Human Genetics Tuebingen Variant Classification Criteria Version 2. Collection method: clinical testing. Allele origin: germline. Affected: yes. Observed: 3 variant alleles.

Labcorp Genetics (formerly Invitae), Labcorp
Classification: Benign. Last evaluated: 2025-11-19. Review status: criteria provided, single submitter. Criteria: Invitae Variant Classification Sherloc (09022015). Collection method: clinical testing. Allele origin: germline.

Women's Health and Genetics/Laboratory Corporation of America, LabCorp
Classification: Uncertain significance. Last evaluated: 2025-07-21. Review status: criteria provided, single submitter. Criteria: LabCorp Variant Classification Summary - May 2015. Collection method: clinical testing. Allele origin: germline.
Comment: Variant summary: OPA1 c.344C>T (p.Ala115Val) results in a non-conservative amino acid change located in the Basic domain (Charif_2021) of the encoded protein sequence. Algorithms developed to predict the effect of missense changes on protein structure and function are either unavailable or do not agree on the potential impact of this missense change. The variant allele was found at a frequency of 0.00022 in 248414 control chromosomes (gnomAD). This frequency does not allow conclusions about variant significance although at-least one study reporting a VUS classification for this variant has commented on this frequency as being "probably too common despite literature" (example, Comander_2017). c.344C>T has been reported in the literature among cohorts of individuals with features of OPA1-related disorders ranging from optic atrophy, deafness, pericentral retinitis pigmentosa (RP)/inherited optic neuropathy, ataxia, and unspecified neuropathy (example, Santarelli_2015, Yu-Wai-Man_2010, Gaier_2017, Comander_2017, Charif_2021). These data indicate that the variant may be associated with disease. To our knowledge, no experimental evidence demonstrating an impact on protein function has been reported. The following publications have been ascertained in the context of this evaluation (PMID: 33841295, 28981474, 28848318, 25564500, 20157015). ClinVar contains an entry for this variant (Variation ID: 436107). Based on the evidence outlined above, the variant was classified as uncertain significance.

Blueprint Genetics
Classification: Benign. Last evaluated: 2024-10-03. Review status: criteria provided, single submitter. Criteria: ACMG Guidelines, 2015. Collection method: clinical testing. Allele origin: germline.

Mayo Clinic Laboratories, Mayo Clinic
Classification: Uncertain significance. Last evaluated: 2024-05-09. Review status: criteria provided, single submitter. Criteria: ACMG Guidelines, 2015. Collection method: clinical testing. Allele origin: germline. Observed: 1 variant allele.

Geisinger Autism and Developmental Medicine Institute, Geisinger Health System
Classification: Uncertain significance for Optic atrophy with or without deafness, ophthalmoplegia, myopathy, ataxia, and neuropathy. Last evaluated: 2017-06-12. Review status: criteria provided, single submitter. Criteria: ACMG Guidelines, 2015. Collection method: provider interpretation, clinical testing. Allele origin: maternal. Observed: 1 variant allele.
Comment: Clinical correlation with OPA-related disorders was thought to be poor. The variant is present in the gnomAD South Asian population at 0.068%. Computational prediction models are inconsistent.

Genetic Services Laboratory, University of Chicago
Classification: Uncertain significance. Last evaluated: 2016-11-10. Review status: criteria provided, single submitter. Criteria: ACMG Guidelines, 2015. Collection method: clinical testing. Allele origin: germline. Affected: no.

Literature cited by the submitters: PubMed 28981474 (cited by Women's Health and Genetics/Laboratory Corporation of America, LabCorp and Mayo Clinic Laboratories, Mayo Clinic); PubMed 33841295 (cited by Women's Health and Genetics/Laboratory Corporation of America, LabCorp and Mayo Clinic Laboratories, Mayo Clinic); PubMed 28848318 (cited by Women's Health and Genetics/Laboratory Corporation of America, LabCorp and Mayo Clinic Laboratories, Mayo Clinic); PubMed 25564500 (cited by 3 submitters); PubMed 20157015 (cited by 3 submitters); PubMed 35884828 (cited by Mayo Clinic Laboratories, Mayo Clinic).